The following is an entry in ClinVar:

ClinVar aggregate classification (germline): Uncertain significance (0 of 4 stars; one submission).

Conditions:
LAMA2-related disorder. Also called: LAMA2-related disorders; LAMA2-related condition.

Submission:

PreventionGenetics, part of Exact Sciences
Classification: Uncertain significance for LAMA2-related condition. Last evaluated: 2024-09-10. Review status: no assertion criteria provided. Collection method: clinical testing. Allele origin: germline.
Comment: The LAMA2 c.4364A>G variant is predicted to result in the amino acid substitution p.Tyr1455Cys. To our knowledge, this variant has not been reported in the literature or in a large population database, indicating this variant is rare. At this time, the clinical significance of this variant is uncertain due to the absence of conclusive functional and genetic evidence.

NM_000426.4(LAMA2):c.4364A>G (p.Tyr1455Cys)

Gene: LAMA2 (laminin subunit alpha 2; plus strand). Cytogenetic location: 6q22.33.
Variant type: single nucleotide variant.
Coding change: c.4364A>G on transcript NM_000426.4 (MANE Select); coding-DNA position 4364, A replaced by G.
Protein change: p.Tyr1455Cys; replaces tyrosine 1455 with cysteine.
Molecular consequence: missense variant.
Genome position (GRCh38, 1-based): chr6:129,342,395, A>G. VCF-style: chr6-129342395-A-G. GRCh37 (hg19) VCF-style: chr6-129663540-A-G.
Other names: c.4364A>G, p.Tyr1455Cys (NM_001079823.2); short protein forms Y1455C.
Identifiers: ClinVar variation 3356369 (VCV003356369.1).